The following is an entry in ClinVar:

NM_001165963.4(SCN1A):c.2847T>A (p.Cys949Ter)

Gene: SCN1A (sodium voltage-gated channel alpha subunit 1; minus strand). Cytogenetic location: 2q24.3.
Variant type: single nucleotide variant.
Coding change: c.2847T>A on transcript NM_001165963.4 (MANE Select); coding-DNA position 2847, T replaced by A.
Protein change: p.Cys949Ter; replaces cysteine 949 with a stop codon.
Molecular consequence: nonsense. On other transcripts: non-coding transcript variant (1).
Genome position (GRCh38, 1-based): chr2:166,037,875, A>T on the plus strand (T>A on the coding strand, the complement: SCN1A is on the minus strand). VCF-style: chr2-166037875-A-T. GRCh37 (hg19) VCF-style: chr2-166894385-A-T.
Other names: c.2847T>A, p.Cys949Ter (NM_001202435.3, NM_001353948.2); c.2814T>A, p.Cys938Ter (NM_001353949.2, NM_001353950.2, NM_001353951.2 and 2 more transcripts); c.2811T>A, p.Cys937Ter (NM_001353954.2, NM_001353955.2); c.2763T>A, p.Cys921Ter (NM_001353957.2, NM_001165964.3, NM_001353958.2); c.2760T>A, p.Cys920Ter (NM_001353960.2); c.405T>A, p.Cys135Ter (NM_001353961.2); short protein forms C938*, C920*, C949*, C135*, C937*, C921*.
Identifiers: ClinVar variation 2742879 (VCV002742879.3), dbSNP rs1553541218, ClinGen allele CA349061181.

ClinVar aggregate classification (germline): Pathogenic (1 of 4 stars; one submission).

Conditions:
Early-infantile DEE. Also called: Early infantile epileptic encephalopathy with suppression bursts; Early infantile epileptic encephalopathy; Ohtahara syndrome. Identifiers: Orphanet 1934, MedGen C0393706, MONDO:0800491.

Submission:

Labcorp Genetics (formerly Invitae), Labcorp
Classification: Pathogenic for Early-infantile DEE. Last evaluated: 2023-07-13. Review status: criteria provided, single submitter. Criteria: Invitae Variant Classification Sherloc (09022015). Collection method: clinical testing. Allele origin: germline.
Comment: This sequence change creates a premature translational stop signal (p.Cys949*) in the SCN1A gene. It is expected to result in an absent or disrupted protein product. Loss-of-function variants in SCN1A are known to be pathogenic (PMID: 17347258, 18930999). For these reasons, this variant has been classified as Pathogenic. This variant has not been reported in the literature in individuals affected with SCN1A-related conditions. This variant is not present in population databases (gnomAD no frequency).

Literature cited by the submitters: PubMed 17347258; PubMed 18930999.